The following is an entry in ClinVar:

NM_001457.4(FLNB):c.2509G>A (p.Val837Ile)

Genes: FLNB (filamin B; plus strand), LOC129936935 (ATAC-STARR-seq lymphoblastoid active region 19999; plus strand). Cytogenetic location: 3p14.3.
Variant type: single nucleotide variant.
Coding change: c.2509G>A on transcript NM_001457.4 (MANE Select); coding-DNA position 2509, G replaced by A.
Protein change: p.Val837Ile; replaces valine 837 with isoleucine.
Molecular consequence: missense variant.
Genome position (GRCh38, 1-based): chr3:58,111,815, G>A. VCF-style: chr3-58111815-G-A. GRCh37 (hg19) VCF-style: chr3-58097542-G-A.
Other names: c.2509G>A, p.Val837Ile (NM_001164317.2, NM_001164318.2, NM_001164319.2); short protein forms V837I.
Identifiers: ClinVar variation 3685973 (VCV003685973.2).

ClinVar aggregate classification (germline): Uncertain significance (1 of 4 stars; one submission).

Submission:

Labcorp Genetics (formerly Invitae), Labcorp
Classification: Uncertain significance. Last evaluated: 2024-12-16. Review status: criteria provided, single submitter. Criteria: Invitae Variant Classification Sherloc (09022015). Collection method: clinical testing. Allele origin: germline.
Comment: This sequence change replaces valine, which is neutral and non-polar, with isoleucine, which is neutral and non-polar, at codon 837 of the FLNB protein (p.Val837Ile). This variant is not present in population databases (gnomAD no frequency). This variant has not been reported in the literature in individuals affected with FLNB-related conditions. Invitae Evidence Modeling of protein sequence and biophysical properties (such as structural, functional, and spatial information, amino acid conservation, physicochemical variation, residue mobility, and thermodynamic stability) indicates that this missense variant is not expected to disrupt FLNB protein function with a negative predictive value of 95%. In summary, the available evidence is currently insufficient to determine the role of this variant in disease. Therefore, it has been classified as a Variant of Uncertain Significance.